The following is an entry in ClinVar:

ClinVar aggregate classification (germline): Uncertain significance. Review status: criteria provided, single submitter (1 of 4 stars). 2 submissions from 2 submitters: Uncertain significance (1). 1 of the submissions does not count toward it. Last evaluated 2024-11-29.

Conditions:
Hereditary diffuse gastric adenocarcinoma (HDGC). Also called: DIFFUSE GASTRIC AND LOBULAR BREAST CANCER SYNDROME. Identifiers: Orphanet 26106, MedGen C1708349, MONDO:0007648, OMIM 137215.
Malignant tumor of breast. Also called: Malignant breast neoplasm; Cancer breast. Identifiers: MedGen C0006142, MONDO:0007254. Disease mechanism: loss of function.

Submissions (2):

Labcorp Genetics (formerly Invitae), Labcorp
Classification: Uncertain significance for Hereditary diffuse gastric adenocarcinoma. Last evaluated: 2024-11-29. Review status: criteria provided, single submitter. Criteria: Invitae Variant Classification Sherloc (09022015). Collection method: clinical testing. Allele origin: germline.
Comment: This sequence change replaces serine, which is neutral and polar, with arginine, which is basic and polar, at codon 684 of the CDH1 protein (p.Ser684Arg). This variant is not present in population databases (gnomAD no frequency). This variant has not been reported in the literature in individuals affected with CDH1-related conditions. ClinVar contains an entry for this variant (Variation ID: 1049149). An algorithm developed to predict the effect of missense changes on protein structure and function (PolyPhen-2) suggests that this variant is likely to be tolerated. In summary, the available evidence is currently insufficient to determine the role of this variant in disease. Therefore, it has been classified as a Variant of Uncertain Significance.

Department of Pathology and Laboratory Medicine, Sinai Health System
Classification: Uncertain significance for Malignant tumor of breast. Review status: no assertion criteria provided. Collection method: clinical testing. Allele origin: unknown. Affected: yes. Observed: 1 variant allele. Study: The Canadian Open Genetics Repository (COGR). Not counted in ClinVar's aggregate classification.
Comment: The CDH1 p.Ser684Arg variant was not identified in the literature nor was it identified in the dbSNP, ClinVar, Cosmic, MutDB, Insight Colon Cancer Gene Variant Database, Zhejiang Colon Cancer Database, databases. The variant was not identified in the following control databases: the 1000 Genomes Project, the NHLBI GO Exome Sequencing Project, the Exome Aggregation Consortium (August 8th 2016), or the Genome Aggregation Database (Feb 27, 2017). The p.Ser684 residue is not conserved in mammals and four out of five computational analyses (PolyPhen-2, SIFT, AlignGVGD, BLOSUM, MutationTaster) do not suggest a high likelihood of impact to the protein; however, this information is not predictive enough to rule out pathogenicity. The variant occurs outside of the splicing consensus sequence and 1 of 5 in silico or computational prediction software programs (SpliceSiteFinder, MaxEntScan, NNSPLICE, GeneSplicer, HumanSpliceFinder) predict a greater than 10% difference in splicing; this is not very predictive of pathogenicity. In summary, based on the above information, the clinical significance of this variant cannot be determined with certainty at this time. This variant is classified as a variant of uncertain significance.

NM_004360.5(CDH1):c.2052C>A (p.Ser684Arg)

Gene: CDH1 (cadherin 1; plus strand). Cytogenetic location: 16q22.1.
Variant type: single nucleotide variant.
Coding change: c.2052C>A on transcript NM_004360.5 (MANE Select); coding-DNA position 2052, C replaced by A.
Protein change: p.Ser684Arg; replaces serine 684 with arginine.
Molecular consequence: missense variant.
Genome position (GRCh38, 1-based): chr16:68,823,514, C>A. VCF-style: chr16-68823514-C-A. GRCh37 (hg19) VCF-style: chr16-68857417-C-A.
Other names: c.1869C>A, p.Ser623Arg (NM_001317184.2); c.504C>A, p.Ser168Arg (NM_001317185.2); c.87C>A, p.Ser29Arg (NM_001317186.2); short protein forms S168R, S29R, S623R, S684R.
Identifiers: ClinVar variation 1049149 (VCV001049149.4), dbSNP rs764379691, ClinGen allele CA396467752.